The following is an entry in ClinVar:

ClinVar aggregate classification (germline): Uncertain significance (1 of 4 stars; one submission).

Conditions:
Inborn genetic diseases. Identifiers: MedGen C0950123, MeSH D030342.

Submission:

Ambry Genetics
Classification: Uncertain significance for Inborn genetic diseases. Last evaluated: 2025-09-23. Review status: criteria provided, single submitter. Criteria: Ambry Variant Classification Scheme 2023. Collection method: clinical testing. Allele origin: germline.
Comment: The p.I327M variant (also known as c.981A>G), located in coding exon 11 of the FANCA gene, results from an A to G substitution at nucleotide position 981. The isoleucine at codon 327 is replaced by methionine, an amino acid with highly similar properties. This amino acid position is conserved. In addition, this alteration is predicted to be tolerated by in silico analysis. Based on the available evidence, the clinical significance of this variant remains unclear.

NM_000135.4(FANCA):c.981A>G (p.Ile327Met)

Gene: FANCA (FA complementation group A; minus strand). Cytogenetic location: 16q24.3.
Variant type: single nucleotide variant.
Coding change: c.981A>G on transcript NM_000135.4 (MANE Select); coding-DNA position 981, A replaced by G.
Protein change: p.Ile327Met; replaces isoleucine 327 with methionine.
Molecular consequence: missense variant.
Genome position (GRCh38, 1-based): chr16:89,795,931, T>C on the plus strand (A>G on the coding strand, the complement: FANCA is on the minus strand). VCF-style: chr16-89795931-T-C. GRCh37 (hg19) VCF-style: chr16-89862339-T-C.
Other names: c.981A>G, p.Ile327Met (NM_001286167.3); short protein forms I327M.
Identifiers: ClinVar variation 4254365 (VCV004254365.2).